The following is an entry in ClinVar:

ClinVar aggregate classification (germline): Pathogenic (1 of 4 stars; one submission).

Conditions:
Neurofibromatosis, type 1 (NF1). Also called: VON RECKLINGHAUSEN DISEASE; Peripheral type neurofibromatosis; NEUROFIBROMATOSIS, TYPE I, SOMATIC; Neurofibromatosis, type I. Identifiers: Orphanet 636, MedGen C0027831, MONDO:0018975, OMIM 162200. Disease mechanism: loss of function.

Submission:

Labcorp Genetics (formerly Invitae), Labcorp
Classification: Pathogenic for Neurofibromatosis, type 1. Last evaluated: 2020-02-04. Review status: criteria provided, single submitter. Criteria: Invitae Variant Classification Sherloc (09022015). Collection method: clinical testing. Allele origin: germline.
Comment: For these reasons, this variant has been classified as Pathogenic. Loss-of-function variants in NF1 are known to be pathogenic (PMID: 10712197, 23913538). This variant has not been reported in the literature in individuals with NF1-related conditions. This variant is not present in population databases (ExAC no frequency). This sequence change creates a premature translational stop signal (p.Leu1406Phefs*3) in the NF1 gene. It is expected to result in an absent or disrupted protein product.

Literature cited by the submitters: PubMed 10712197; PubMed 23913538.

NM_001042492.3(NF1):c.4280dup (p.Leu1427fs)

Gene: NF1 (neurofibromin 1; plus strand). Cytogenetic location: 17q11.2.
Variant type: Duplication.
Coding change: c.4280dup on transcript NM_001042492.3 (MANE Select); coding-DNA position 4280, one base duplicated (T; older notation c.4280dupT).
Protein change: p.Leu1427fs; shifts the reading frame from leucine 1427.
Molecular consequence: frameshift variant.
Genome position (GRCh38, 1-based): chr17:31,258,450, T duplicated; the last of 4 consecutive T bases (chr17:31,258,447-31,258,450); duplicating any one gives the same sequence. VCF-style (leftmost placement, unchanged base first): chr17-31258446-A-AT. GRCh37 (hg19) VCF-style: chr17-29585464-A-AT.
Other names: c.4217dup, p.Leu1406Phefs (NM_000267.4); short protein forms L1406fs, L1427fs.
Identifiers: ClinVar variation 1069747 (VCV001069747.5), dbSNP rs2151462078, ClinGen allele CA2499224129.